The following is an entry in ClinVar:

ClinVar aggregate classification (germline): Conflicting classifications of pathogenicity. Review status: criteria provided, conflicting classifications (1 of 4 stars). 5 submissions from 5 submitters: Likely pathogenic (2); Uncertain significance (3). Last evaluated 2025-05-21.

Conditions:
Inborn genetic diseases. Identifiers: MedGen C0950123, MeSH D030342.
Retinal arterial tortuosity. Also called: RETINAL HEMORRHAGE WITH VASCULAR TORTUOSITY; Retinal arteries, tortuosity of. Identifiers: Orphanet 75326, MedGen C0423401, MONDO:0008373, OMIM 180000, HP:0000631.
Brain small vessel disease 1 with or without ocular anomalies (BSVD1). Also called: PORENCEPHALY, TYPE 1, AUTOSOMAL DOMINANT; BRAIN SMALL VESSEL DISEASE WITH HEMORRHAGE; GOULD SYNDROME 1; Brain small vessel disease with or without ocular anomalies. Identifiers: Orphanet 2940, Orphanet 36383, Orphanet 99810, MedGen C4755307, MONDO:0008289, OMIM 175780.
Autosomal dominant familial hematuria-retinal arteriolar tortuosity-contractures syndrome. Also called: Angiopathy, hereditary, with nephropathy, aneurysms, and muscle cramps; Hereditary Angiopathy with Nephropathy, Aneurysms, and Muscle Cramps (HANAC) Syndrome. Identifiers: Orphanet 73229, MedGen C2673195, MONDO:0012726, OMIM 611773.
Microangiopathy and leukoencephalopathy, pontine, autosomal dominant. Also called: Pontine autosomal dominant microangiopathy with leukoencephalopathy; DEMENTIA, HEREDITARY MULTI-INFARCT, SWEDISH TYPE. Identifiers: Orphanet 477749, MedGen C5231411, MONDO:0032814, OMIM 618564.
COL4A1-related disorder. Also called: COL4A1-related condition; COL4A1-related disorders. Identifiers: MedGen CN376119, MONDO:0800461.
Hemorrhage, intracerebral, susceptibility to (ICH). Also called: Stroke, hemorrhagic, susceptibility to. Identifiers: MedGen C3281105, MONDO:0100533, OMIM 614519.

Allele frequency attached by ClinVar (database versions not stated): ExAC 0.00002; gnomAD exomes 0.00002; gnomAD 0.00003; TOPMed 0.00004; ESP Exome Variant Server 0.00008.
gnomAD v4.1: 27 of 1,613,946 alleles (0.0017%); highest among the groups gnomAD compares: African/African-American, 0.0053%; no homozygotes.

Submissions (6):

Labcorp Genetics (formerly Invitae), Labcorp
Classification: Likely pathogenic. Last evaluated: 2025-05-21. Review status: criteria provided, single submitter. Criteria: Invitae Variant Classification Sherloc (09022015). Collection method: clinical testing. Allele origin: germline.
Comment: This sequence change replaces glycine, which is neutral and non-polar, with arginine, which is basic and polar, at codon 308 of the COL4A1 protein (p.Gly308Arg). This variant is present in population databases (rs370677625, gnomAD 0.003%). This variant has not been reported in the literature in individuals affected with COL4A1-related conditions. ClinVar contains an entry for this variant (Variation ID: 423149). Invitae Evidence Modeling of protein sequence and biophysical properties (such as structural, functional, and spatial information, amino acid conservation, physicochemical variation, residue mobility, and thermodynamic stability) indicates that this missense variant is expected to disrupt COL4A1 protein function with a positive predictive value of 95%. This variant disrupts the triple helix domain of COL4A1. Glycine residues within the Gly-Xaa-Yaa repeats of the triple helix domain are required for the structure and stability of fibrillar collagens (PMID: 7695699, 8218237, 19344236). In COL4A1 variants affecting these glycine residues are significantly enriched in individuals with disease (PMID: 9016532, 17078022) compared to the general population (ExAC). In summary, the currently available evidence indicates that the variant is pathogenic, but additional data are needed to prove that conclusively. Therefore, this variant has been classified as Likely Pathogenic.

Blueprint Genetics
Classification: Uncertain significance. Last evaluated: 2024-10-23. Review status: criteria provided, single submitter. Criteria: ACMG Guidelines, 2015. Collection method: clinical testing. Allele origin: germline.

Fulgent Genetics
Classification: Likely pathogenic for Brain small vessel disease 1 with or without ocular anomalies; Retinal arterial tortuosity; Autosomal dominant familial hematuria-retinal arteriolar tortuosity-contractures syndrome; Hemorrhage, intracerebral, susceptibility to; Microangiopathy and leukoencephalopathy, pontine, autosomal dominant. Last evaluated: 2024-05-23. Review status: criteria provided, single submitter. Criteria: ACMG Guidelines, 2015. Collection method: clinical testing. Allele origin: germline.

Ambry Genetics
Classification: Uncertain significance for Inborn genetic diseases. Last evaluated: 2023-10-06. Review status: criteria provided, single submitter. Criteria: Ambry Variant Classification Scheme 2023. Collection method: clinical testing. Allele origin: germline.

GeneDx
Classification: Uncertain significance. Last evaluated: 2019-12-18. Review status: criteria provided, single submitter. Criteria: GeneDx Variant Classification Process June 2021. Collection method: clinical testing. Allele origin: germline. Affected: yes.
Comment: Observed in 0.0016% (4/251476 alleles) in large population cohorts (Lek et al., 2016); In silico analysis, which includes protein predictors and evolutionary conservation, supports a deleterious effect; Has not been previously published as pathogenic or benign to our knowledge

Dr. Peter K. Rogan Lab, Western University
No classification provided (evidence only). Condition: Melanoma. Review status: no classification provided. Collection method: in vitro. Allele origin: not applicable. Functional consequence: skipped exon, retained intron. Not counted in ClinVar's aggregate classification.

Literature cited by the submitters: PubMed 7695699 (cited by Labcorp Genetics (formerly Invitae), Labcorp); PubMed 8218237 (cited by Labcorp Genetics (formerly Invitae), Labcorp); PubMed 19344236 (cited by Labcorp Genetics (formerly Invitae), Labcorp); PubMed 9016532 (cited by Labcorp Genetics (formerly Invitae), Labcorp); PubMed 17078022 (cited by Labcorp Genetics (formerly Invitae), Labcorp).

NM_001845.6(COL4A1):c.922G>A (p.Gly308Arg)

Gene: COL4A1 (collagen type IV alpha 1 chain; minus strand). Cytogenetic location: 13q34.
Variant type: single nucleotide variant.
Coding change: c.922G>A on transcript NM_001845.6 (MANE Select); coding-DNA position 922, G replaced by A.
Protein change: p.Gly308Arg; replaces glycine 308 with arginine.
Molecular consequence: missense variant.
Genome position (GRCh38, 1-based): chr13:110,205,388, C>T on the plus strand (G>A on the coding strand, the complement: COL4A1 is on the minus strand). VCF-style: chr13-110205388-C-T. GRCh37 (hg19) VCF-style: chr13-110857735-C-T.
Other names: c.922G>A, p.Gly308Arg (NM_001303110.2); c.922G>A (NM_001845.5); short protein forms G308R.
Identifiers: ClinVar variation 423149 (VCV000423149.16), dbSNP rs370677625, ClinGen allele CA7048216.
Genomic context (GRCh38, chr13:110,205,388, plus strand): 5'-GGCTCACAATAGTGCCAGCGTTTACCTGCGGGCCCTGGCGGCCTATGAGTCCTGGGTACC[C>T]GGGTTCACCAGGAAAACCCTGAAACCGAAGAGAGAAGCAGTAACCGTCAGAGGCCAGTGG-3'
Protein context (NP_001836.3, residues 298-318): KGSPGFPGEP[Gly308Arg]YPGLIGRQGP